The following is an entry in ClinVar:

NM_138927.4(SON):c.5060A>G (p.Glu1687Gly)

Gene: SON (SON DNA and RNA binding protein; plus strand). Cytogenetic location: 21q22.11.
Variant type: single nucleotide variant.
Coding change: c.5060A>G on transcript NM_138927.4 (MANE Select); coding-DNA position 5060, A replaced by G.
Protein change: p.Glu1687Gly; replaces glutamic acid 1687 with glycine.
Molecular consequence: missense variant. On other transcripts: non-coding transcript variant (1), intron variant (1).
Genome position (GRCh38, 1-based): chr21:33,554,291, A>G. VCF-style: chr21-33554291-A-G. GRCh37 (hg19) VCF-style: chr21-34926597-A-G.
Other names: c.5060A>G, p.Glu1687Gly (NM_001291411.2, NM_032195.3); c.245-2865A>G (NM_001291412.3); short protein forms E1687G.
Identifiers: ClinVar variation 3627467 (VCV003627467.2).

ClinVar aggregate classification (germline): Uncertain significance (1 of 4 stars; one submission).

gnomAD v4.1: 175 of 1,614,074 alleles (0.011%); highest among the groups gnomAD compares: Non-Finnish European, 0.014%; no homozygotes.

Submission:

Labcorp Genetics (formerly Invitae), Labcorp
Classification: Uncertain significance. Last evaluated: 2025-11-25. Review status: criteria provided, single submitter. Criteria: Invitae Variant Classification Sherloc (09022015). Collection method: clinical testing. Allele origin: germline.
Comment: This sequence change replaces glutamic acid, which is acidic and polar, with glycine, which is neutral and non-polar, at codon 1687 of the SON protein (p.Glu1687Gly). This variant is present in population databases (rs150879726, gnomAD 0.01%). This variant has not been reported in the literature in individuals affected with SON-related conditions. ClinVar contains an entry for this variant (Variation ID: 3627467). An algorithm developed to predict the effect of missense changes on protein structure and function (PolyPhen-2) suggests that this variant is likely to be tolerated. In summary, the available evidence is currently insufficient to determine the role of this variant in disease. Therefore, it has been classified as a Variant of Uncertain Significance.